The following is an entry in ClinVar:

ClinVar aggregate classification (germline): Pathogenic/Likely pathogenic. Review status: criteria provided, multiple submitters, no conflicts (2 of 4 stars). 6 submissions from 6 submitters: Pathogenic (5); Likely pathogenic (1). Last evaluated 2024-10-31.

Conditions:
Lynch syndrome 4 (LYNCH4). Also called: Colorectal cancer, hereditary nonpolyposis, type 4; Hereditary non-polyposis colorectal cancer, type 4. Identifiers: Orphanet 144, MedGen C1838333, MONDO:0013699, OMIM 614337. Disease mechanism: loss of function.
Hereditary nonpolyposis colon cancer (HNPCC). Also called: Hereditary Nonpolyposis Colorectal Cancer Syndrome; Hereditary nonpolyposis colorectal cancer; Familial nonpolyposis colon cancer. Identifiers: Orphanet 443909, MedGen C1333990, MONDO:0018630. Disease mechanism: loss of function.
Hereditary nonpolyposis colorectal neoplasms. Identifiers: MedGen C0009405, MeSH D003123.
Hereditary cancer-predisposing syndrome. Also called: Hereditary neoplastic syndrome; Tumor predisposition; Hereditary Cancer Syndrome; Neoplastic Syndromes, Hereditary. Identifiers: Orphanet 140162, MedGen C0027672, MeSH D009386, MONDO:0015356.

Allele frequency attached by ClinVar (database versions not stated): gnomAD exomes below 0.00001; TOPMed below 0.00001.
gnomAD v4.1: 1 of 1,612,976 alleles (0.000062%); highest among the groups gnomAD compares: Non-Finnish European, 0.000085%; no homozygotes.

Submissions (6):

Labcorp Genetics (formerly Invitae), Labcorp
Classification: Pathogenic for Hereditary nonpolyposis colorectal neoplasms. Last evaluated: 2024-10-31. Review status: criteria provided, single submitter. Criteria: Invitae Variant Classification Sherloc (09022015). Collection method: clinical testing. Allele origin: germline.
Comment: This sequence change creates a premature translational stop signal (p.Gln374*) in the PMS2 gene. It is expected to result in an absent or disrupted protein product. Loss-of-function variants in PMS2 are known to be pathogenic (PMID: 21376568, 24362816). This variant is not present in population databases (gnomAD no frequency). This premature translational stop signal has been observed in individual(s) with prostate cancer (PMID: 32923906). ClinVar contains an entry for this variant (Variation ID: 492246). For these reasons, this variant has been classified as Pathogenic.

Myriad Genetics, Inc.
Classification: Pathogenic for Lynch syndrome 4. Last evaluated: 2023-09-20. Review status: criteria provided, single submitter. Criteria: Myriad Autosomal Dominant, Autosomal Recessive and X-Linked Classification Criteria (2023). Collection method: clinical testing. Allele origin: unknown.
Comment: This variant is considered pathogenic. This variant creates a termination codon and is predicted to result in premature protein truncation.

GeneDx
Classification: Pathogenic. Last evaluated: 2022-06-30. Review status: criteria provided, single submitter. Criteria: GeneDx Variant Classification Process June 2021. Collection method: clinical testing. Allele origin: germline. Affected: yes.
Comment: Nonsense variant predicted to result in protein truncation or nonsense mediated decay in a gene for which loss of function is a known mechanism of disease; Not observed at significant frequency in large population cohorts (gnomAD); Truncating variants in this gene are considered pathogenic by a well-established clinical consortium and/or database; Observed in an individual with prostate cancer in the published literature (Boyle et al 2020); This variant is associated with the following publications: (PMID: 32923906, 29758216)

Ambry Genetics
Classification: Pathogenic for Hereditary cancer-predisposing syndrome. Last evaluated: 2021-12-29. Review status: criteria provided, single submitter. Criteria: Ambry Variant Classification Scheme 2023. Collection method: clinical testing. Allele origin: germline.
Comment: The p.Q374* pathogenic mutation (also known as c.1120C>T), located in coding exon 10 of the PMS2 gene, results from a C to T substitution at nucleotide position 1120. This changes the amino acid from a glutamine to a stop codon within coding exon 10. This alteration is expected to result in loss of function by premature protein truncation or nonsense-mediated mRNA decay. As such, this alteration is interpreted as a disease-causing mutation.

Women's Health and Genetics/Laboratory Corporation of America, LabCorp
Classification: Likely pathogenic for Hereditary nonpolyposis colon cancer. Last evaluated: 2021-12-29. Review status: criteria provided, single submitter. Criteria: LabCorp Variant Classification Summary - May 2015. Collection method: clinical testing. Allele origin: germline.
Comment: Variant summary: PMS2 c.1120C>T (p.Gln374X) results in a premature termination codon, predicted to cause a truncation of the encoded protein or absence of the protein due to nonsense mediated decay, which are commonly known mechanisms for disease. Truncations downstream of this position have been classified as pathogenic by our laboratory. The variant was absent in 251260 control chromosomes. c.1120C>T has been reported in the literature in individuals affected with Prostate/Colorectal Cancer (example, Boyle_2020, Ten Broeke_2018). To our knowledge, no experimental evidence demonstrating an impact on protein function has been reported. One clinical diagnostic laboratory has submitted clinical-significance assessments for this variant to ClinVar after 2014 without evidence for independent evaluation and classified the variant as pathogenic. Based on the evidence outlined above, the variant was classified as likely pathogenic.

Color Diagnostics, LLC DBA Color Health
Classification: Pathogenic for Hereditary cancer-predisposing syndrome. Last evaluated: 2020-01-15. Review status: criteria provided, single submitter. Criteria: ACMG Guidelines, 2015. Collection method: clinical testing. Allele origin: germline.
Comment: This variant changes 1 nucleotide in exon 10 of the PMS2 gene, creating a premature translation stop signal. This variant is expected to result in an absent or non-functional protein product. This variant has not been identified in the general population by the Genome Aggregation Database (gnomAD). Loss of PMS2 function is a known mechanism of disease. Based on the available evidence, this variant is classified as Pathogenic.

Literature cited by the submitters: PubMed 21376568 (cited by Labcorp Genetics (formerly Invitae), Labcorp); PubMed 24362816 (cited by Labcorp Genetics (formerly Invitae), Labcorp); PubMed 32923906 (cited by Labcorp Genetics (formerly Invitae), Labcorp and Women's Health and Genetics/Laboratory Corporation of America, LabCorp); PubMed 29758216 (cited by Women's Health and Genetics/Laboratory Corporation of America, LabCorp).

NM_000535.7(PMS2):c.1120C>T (p.Gln374Ter)

Gene: PMS2 (PMS1 homolog 2, mismatch repair system component; minus strand). Cytogenetic location: 7p22.1.
Variant type: single nucleotide variant.
Coding change: c.1120C>T on transcript NM_000535.7 (MANE Select); coding-DNA position 1120, C replaced by T.
Protein change: p.Gln374Ter; replaces glutamine 374 with a stop codon.
Molecular consequence: nonsense. On other transcripts: non-coding transcript variant (1), intron variant (2).
Genome position (GRCh38, 1-based): chr7:5,989,824, G>A on the plus strand (C>T on the coding strand, the complement: PMS2 is on the minus strand). VCF-style: chr7-5989824-G-A. GRCh37 (hg19) VCF-style: chr7-6029455-G-A.
Other names: c.715C>T, p.Gln239Ter (NM_001322003.2, NM_001322004.2, NM_001322005.2 and 1 more transcripts); c.802C>T, p.Gln268Ter (NM_001322007.2, NM_001322008.2); c.187C>T, p.Gln63Ter (NM_001322011.2, NM_001322012.2); c.547C>T, p.Gln183Ter (NM_001322013.2); c.1120C>T, p.Gln374Ter (NM_001322014.2); c.811C>T, p.Gln271Ter (NM_001322015.2); c.583+2149C>T (NM_001322010.2); c.988+2149C>T (NM_001322006.2); short protein forms Q374*, Q239*, Q268*, Q183*, Q271*, Q63*.
Identifiers: ClinVar variation 492246 (VCV000492246.11), dbSNP rs1437858319, ClinGen allele CA366742765.
Genomic context (GRCh38, chr7:5,989,824, plus strand): 5'-GCTTTAGAAGCTGTTTGTACACTGTATTTTTCTTACCTTCAACATCCAGCAGTGGCTGCT[G>A]ACTGACATTTAGCTTGTTGACATCACTATCAAACATTCCTATCAAAGAGGTCTTTAAAAC-3'